The following is an entry in ClinVar:

ClinVar aggregate classification (germline): Uncertain significance (1 of 4 stars; one submission).

gnomAD v4.1: 1 of 1,614,148 alleles (0.000062%); highest among the groups gnomAD compares: Admixed American, 0.0017%; no homozygotes.

Submission:

Labcorp Genetics (formerly Invitae), Labcorp
Classification: Uncertain significance. Last evaluated: 2022-01-03. Review status: criteria provided, single submitter. Criteria: Invitae Variant Classification Sherloc (09022015). Collection method: clinical testing. Allele origin: germline.
Comment: This sequence change replaces asparagine, which is neutral and polar, with aspartic acid, which is acidic and polar, at codon 391 of the SCP2 protein (p.Asn391Asp). This variant is present in population databases (no rsID available, gnomAD 0.003%). This variant has not been reported in the literature in individuals affected with SCP2-related conditions. Algorithms developed to predict the effect of missense changes on protein structure and function are either unavailable or do not agree on the potential impact of this missense change (SIFT: "Deleterious"; PolyPhen-2: "Probably Damaging"; Align-GVGD: "Class C15"). In summary, the available evidence is currently insufficient to determine the role of this variant in disease. Therefore, it has been classified as a Variant of Uncertain Significance.

NM_002979.5(SCP2):c.1171A>G (p.Asn391Asp)

Gene: SCP2 (sterol carrier protein 2; plus strand). Cytogenetic location: 1p32.3.
Variant type: single nucleotide variant.
Coding change: c.1171A>G on transcript NM_002979.5 (MANE Select); coding-DNA position 1171, A replaced by G.
Protein change: p.Asn391Asp; replaces asparagine 391 with aspartic acid.
Molecular consequence: missense variant. On other transcripts: 5 prime UTR variant (3).
Genome position (GRCh38, 1-based): chr1:53,014,979, A>G. VCF-style: chr1-53014979-A-G. GRCh37 (hg19) VCF-style: chr1-53480651-A-G.
Other names: c.-42A>G (NM_001007099.3, NM_001007100.3, NM_001007250.3); c.1099A>G, p.Asn367Asp (NM_001193599.2); c.1039A>G, p.Asn347Asp (NM_001193600.2); c.928A>G, p.Asn310Asp (NM_001193617.2); short protein forms N391D, N310D, N367D, N347D.
Identifiers: ClinVar variation 2034398 (VCV002034398.1), dbSNP rs939136447, ClinGen allele CA22603263.